The following is an entry in ClinVar:

ClinVar aggregate classification (germline): Uncertain significance. Review status: criteria provided, multiple submitters, no conflicts (2 of 4 stars). 3 submissions from 3 submitters: Uncertain significance (3). Last evaluated 2024-10-23.

Conditions:
Hereditary cancer-predisposing syndrome. Also called: Hereditary neoplastic syndrome; Hereditary Cancer Syndrome; Neoplastic Syndromes, Hereditary; Tumor predisposition. Identifiers: Orphanet 140162, MedGen C0027672, MeSH D009386, MONDO:0015356.
Ataxia-telangiectasia syndrome (AT). Also called: Ataxia-telangiectasia, complementation group D; Cerebello-oculocutaneous telangiectasia; Immunodeficiency with ataxia telangiectasia; ATAXIA-TELANGIECTASIA, COMPLEMENTATION GROUP A; ATAXIA-TELANGIECTASIA, FRESNO VARIANT; LOUIS-BAR SYNDROME. Identifiers: Orphanet 100, MedGen C0004135, MONDO:0008840, OMIM 208900.

gnomAD v4.1: 2 of 1,613,296 alleles (0.00012%); highest among the groups gnomAD compares: Non-Finnish European, 0.000085%; no homozygotes.

Submissions (3):

Ambry Genetics
Classification: Uncertain significance for Hereditary cancer-predisposing syndrome. Last evaluated: 2024-10-23. Review status: criteria provided, single submitter. Criteria: Ambry Variant Classification Scheme 2023. Collection method: clinical testing. Allele origin: germline.
Comment: The p.D817N variant (also known as c.2449G>A), located in coding exon 15 of the ATM gene, results from a G to A substitution at nucleotide position 2449. The aspartic acid at codon 817 is replaced by asparagine, an amino acid with highly similar properties. This alteration has been reported in chronic lymphocytic leukemia patients (Tiao G et al. Leukemia, 2017 Oct;31:2244-2247; Petrackova A et al. Br J Haematol, 2022 Nov;199:371-381). This amino acid position is conserved. In addition, this alteration is predicted to be tolerated by in silico analysis. Based on the available evidence, the clinical significance of this variant remains unclear.

Labcorp Genetics (formerly Invitae), Labcorp
Classification: Uncertain significance for Ataxia-telangiectasia syndrome. Last evaluated: 2024-01-10. Review status: criteria provided, single submitter. Criteria: Invitae Variant Classification Sherloc (09022015). Collection method: clinical testing. Allele origin: germline.
Comment: This sequence change replaces aspartic acid, which is acidic and polar, with asparagine, which is neutral and polar, at codon 817 of the ATM protein (p.Asp817Asn). This variant is not present in population databases (gnomAD no frequency). This missense change has been observed in individual(s) with clinical features of ATM-related conditions (PMID: 36029002). ClinVar contains an entry for this variant (Variation ID: 421557). An algorithm developed to predict the effect of missense changes on protein structure and function (PolyPhen-2) suggests that this variant is likely to be disruptive. In summary, the available evidence is currently insufficient to determine the role of this variant in disease. Therefore, it has been classified as a Variant of Uncertain Significance.

GeneDx
Classification: Uncertain significance. Last evaluated: 2016-06-27. Review status: criteria provided, single submitter. Criteria: GeneDx Variant Classification (06012015). Collection method: clinical testing. Allele origin: germline. Affected: yes.
Comment: This variant is denoted ATM c.2449G>A at the cDNA level, p.Asp817Asn (D817N) at the protein level, and results in the change of an Aspartic Acid to an Asparagine (GAT>AAT). This variant has not, to our knowledge, been published in the literature as pathogenic or benign. ATM Asp817Asn was not observed in approximately 6,500 individuals of European and African American ancestry in the NHLBI Exome Sequencing Project, suggesting it is not a common benign variant in these populations. Since Aspartic Acid and Asparagine differ in some properties, this is considered a semi-conservative amino acid substitution. ATM Asp817Asn occurs at a position that is conserved across species and is not located in a known functional domain (Tavtigian 2009, Stracker 2013). In silico analyses are inconsistent regarding the effect this variant may have on protein structure and function. Based on currently available evidence, it is unclear whether ATM Asp817Asn is a pathogenic or benign variant. We consider it to be a variant of uncertain significance.

Literature cited by the submitters: PubMed 28652578 (cited by Ambry Genetics); PubMed 36029002 (cited by Ambry Genetics and Labcorp Genetics (formerly Invitae), Labcorp).

NM_000051.4(ATM):c.2449G>A (p.Asp817Asn)

Gene: ATM (ATM serine/threonine kinase; plus strand). Cytogenetic location: 11q22.3.
Variant type: single nucleotide variant.
Coding change: c.2449G>A on transcript NM_000051.4 (MANE Select); coding-DNA position 2449, G replaced by A.
Protein change: p.Asp817Asn; replaces aspartic acid 817 with asparagine.
Molecular consequence: missense variant.
Genome position (GRCh38, 1-based): chr11:108,259,058, G>A. VCF-style: chr11-108259058-G-A. GRCh37 (hg19) VCF-style: chr11-108129785-G-A.
Other names: c.2449G>A, p.Asp817Asn (NM_001351834.2); short protein forms D817N.
Identifiers: ClinVar variation 421557 (VCV000421557.11), dbSNP rs587778067, ClinGen allele CA16619139.